The following is an entry in ClinVar:

ClinVar aggregate classification (germline): Uncertain significance. Review status: criteria provided, multiple submitters, no conflicts (2 of 4 stars). 2 submissions from 2 submitters: Uncertain significance (2). Last evaluated 2026-07-02.

Conditions:
Cowden syndrome 3 (CWS3). Identifiers: Orphanet 201, MedGen CN166604, MONDO:0014045.
Carney-Stratakis syndrome. Also called: PARAGANGLIOMA AND GASTROINTESTINAL STROMAL TUMOR. Identifiers: Orphanet 97286, MedGen C1847319, MONDO:0011740, OMIM 606864.
Pheochromocytoma. Also called: MAX-Related Hereditary Paraganglioma-Pheochromocytoma Syndrome. Identifiers: Orphanet 29072, MedGen C0031511, MONDO:0008233, OMIM 171300, HP:0002666.
Paragangliomas with sensorineural hearing loss. Identifiers: MedGen C1868633.
Hereditary cancer-predisposing syndrome. Also called: Hereditary Cancer Syndrome; Tumor predisposition; Neoplastic Syndromes, Hereditary; Hereditary neoplastic syndrome. Identifiers: Orphanet 140162, MedGen C0027672, MeSH D009386, MONDO:0015356.

Submissions (2):

Ambry Genetics
Classification: Uncertain significance for Hereditary cancer-predisposing syndrome. Last evaluated: 2026-07-02. Review status: criteria provided, single submitter. Criteria: Ambry Variant Classification Scheme 2023. Collection method: clinical testing. Allele origin: germline.
Comment: The p.A98S variant (also known as c.292G>T), located in coding exon 3 of the SDHD gene, results from a G to T substitution at nucleotide position 292. The alanine at codon 98 is replaced by serine, an amino acid with similar properties. This amino acid position is conserved. In addition, the in silico prediction for this alteration is inconclusive. Based on the available evidence, the clinical significance of this variant remains unclear.

Labcorp Genetics (formerly Invitae), Labcorp
Classification: Uncertain significance for Carney-Stratakis syndrome; Paragangliomas with sensorineural hearing loss; Pheochromocytoma; Cowden syndrome 3. Last evaluated: 2021-04-26. Review status: criteria provided, single submitter. Criteria: Invitae Variant Classification Sherloc (09022015). Collection method: clinical testing. Allele origin: germline.
Comment: This variant is not present in population databases (ExAC no frequency). This sequence change replaces alanine with serine at codon 98 of the SDHD protein (p.Ala98Ser). The alanine residue is moderately conserved and there is a moderate physicochemical difference between alanine and serine. This variant has not been reported in the literature in individuals with SDHD-related conditions. In summary, the available evidence is currently insufficient to determine the role of this variant in disease. Therefore, it has been classified as a Variant of Uncertain Significance. Advanced modeling of protein sequence and biophysical properties (such as structural, functional, and spatial information, amino acid conservation, physicochemical variation, residue mobility, and thermodynamic stability) performed at Invitae indicates that this missense variant is not expected to disrupt SDHD protein function.

NM_003002.4(SDHD):c.292G>T (p.Ala98Ser)

Gene: SDHD (succinate dehydrogenase complex subunit D; plus strand). Cytogenetic location: 11q23.1.
Variant type: single nucleotide variant.
Coding change: c.292G>T on transcript NM_003002.4 (MANE Select); coding-DNA position 292, G replaced by T.
Protein change: p.Ala98Ser; replaces alanine 98 with serine.
Molecular consequence: missense variant. On other transcripts: non-coding transcript variant (1), intron variant (1).
Genome position (GRCh38, 1-based): chr11:112,088,989, G>T. VCF-style: chr11-112088989-G-T. GRCh37 (hg19) VCF-style: chr11-111959713-G-T.
Other names: c.175G>T, p.Ala59Ser (NM_001276504.2); c.292G>T, p.Ala98Ser (NM_001276506.2); c.169+1016G>T (NM_001276503.2); c.292G>T (NM_003002.2); short protein forms A59S, A98S.
Identifiers: ClinVar variation 1515357 (VCV001515357.9), dbSNP rs1865692235, ClinGen allele CA382617392.